The following is an entry in ClinVar:

ClinVar aggregate classification (germline): Conflicting classifications of pathogenicity. Review status: criteria provided, conflicting classifications (1 of 4 stars). 2 submissions from 2 submitters: Uncertain significance (1); Likely benign (1). Last evaluated 2025-11-27.

Conditions:
Neuroblastoma, susceptibility to, 3. Also called: ALK-Related Neuroblastic Tumor Susceptibility. Identifiers: Orphanet 635, MedGen C2751681, MONDO:0013083, OMIM 613014.
Hereditary cancer-predisposing syndrome. Also called: Neoplastic Syndromes, Hereditary; Hereditary neoplastic syndrome; Hereditary Cancer Syndrome; Tumor predisposition. Identifiers: Orphanet 140162, MedGen C0027672, MeSH D009386, MONDO:0015356.

Allele frequency attached by ClinVar (database versions not stated): gnomAD 0.00001; ExAC 0.00002; TOPMed 0.00002; gnomAD exomes 0.00003.
gnomAD v4.1: 9 of 1,614,042 alleles (0.00056%); highest among the groups gnomAD compares: East Asian, 0.016%; no homozygotes.

Submissions (2):

Labcorp Genetics (formerly Invitae), Labcorp
Classification: Uncertain significance for Neuroblastoma, susceptibility to, 3. Last evaluated: 2025-11-27. Review status: criteria provided, single submitter. Criteria: Invitae Variant Classification Sherloc (09022015). Collection method: clinical testing. Allele origin: germline.
Comment: This sequence change replaces isoleucine, which is neutral and non-polar, with leucine, which is neutral and non-polar, at codon 407 of the ALK protein (p.Ile407Leu). This variant is present in population databases (rs765139446, gnomAD 0.03%). This variant has not been reported in the literature in individuals affected with ALK-related conditions. ClinVar contains an entry for this variant (Variation ID: 654315). An algorithm developed to predict the effect of missense changes on protein structure and function (PolyPhen-2) suggests that this variant is likely to be tolerated. In summary, the available evidence is currently insufficient to determine the role of this variant in disease. Therefore, it has been classified as a Variant of Uncertain Significance.

Ambry Genetics
Classification: Likely benign for Hereditary cancer-predisposing syndrome. Last evaluated: 2022-02-13. Review status: criteria provided, single submitter. Criteria: Ambry Variant Classification Scheme 2023. Collection method: clinical testing. Allele origin: germline.

NM_004304.5(ALK):c.1219A>C (p.Ile407Leu)

Gene: ALK (ALK receptor tyrosine kinase; minus strand). Cytogenetic location: 2p23.2.
Variant type: single nucleotide variant.
Coding change: c.1219A>C on transcript NM_004304.5 (MANE Select); coding-DNA position 1219, A replaced by C.
Protein change: p.Ile407Leu; replaces isoleucine 407 with leucine.
Molecular consequence: missense variant.
Genome position (GRCh38, 1-based): chr2:29,383,795, T>G on the plus strand (A>C on the coding strand, the complement: ALK is on the minus strand). VCF-style: chr2-29383795-T-G. GRCh37 (hg19) VCF-style: chr2-29606661-T-G.
Other names: short protein forms I407L.
Identifiers: ClinVar variation 654315 (VCV000654315.11), dbSNP rs765139446, ClinGen allele CA1594719.